The following is an entry in ClinVar:

NM_014314.4(RIGI):c.500G>T (p.Trp167Leu)

Gene: RIGI (RNA sensor RIG-I; minus strand). Cytogenetic location: 9p21.1.
Variant type: single nucleotide variant.
Coding change: c.500G>T on transcript NM_014314.4 (MANE Select); coding-DNA position 500, G replaced by T.
Protein change: p.Trp167Leu; replaces tryptophan 167 with leucine.
Molecular consequence: missense variant. On other transcripts: intron variant (1).
Genome position (GRCh38, 1-based): chr9:32,492,462, C>A on the plus strand (G>T on the coding strand, the complement: RIGI is on the minus strand). VCF-style: chr9-32492462-C-A. GRCh37 (hg19) VCF-style: chr9-32492460-C-A.
Other names: c.500G>T, p.Trp167Leu (NM_001385907.1, NM_001385909.1); c.59G>T, p.Trp20Leu (NM_001385910.1, NM_001385914.1); c.485G>T, p.Trp162Leu (NM_001385913.1); c.-38-1042G>T (NM_001385912.1); short protein forms W167L, W162L, W20L.
Identifiers: ClinVar variation 3631054 (VCV003631054.2).
Genomic context (GRCh38, chr9:32,492,462, plus strand): 5'-ATCCACAGTTCACTGAACTTGTTCCTTTCTTTCTCCAAAGCAAGTTTCAAAGTTTTGGGC[C>A]AGTTTTCCTTGTCTGATCTGAGAAGGCATTCCACCAATTTCTCTGCACCTGCCATCATCC-3'
Protein context (NP_055129.2, residues 157-177): ECLLRSDKEN[Trp167Leu]PKTLKLALEK

ClinVar aggregate classification (germline): Uncertain significance (1 of 4 stars; one submission).

Submission:

Labcorp Genetics (formerly Invitae), Labcorp
Classification: Uncertain significance. Last evaluated: 2025-11-03. Review status: criteria provided, single submitter. Criteria: Invitae Variant Classification Sherloc (09022015). Collection method: clinical testing. Allele origin: germline.
Comment: This sequence change replaces tryptophan, which is neutral and slightly polar, with leucine, which is neutral and non-polar, at codon 167 of the DDX58 protein (p.Trp167Leu). This variant is not present in population databases (gnomAD no frequency). This variant has not been reported in the literature in individuals affected with DDX58-related conditions. ClinVar contains an entry for this variant (Variation ID: 3631054). An algorithm developed to predict the effect of missense changes on protein structure and function (PolyPhen-2) suggests that this variant is likely to be disruptive. In summary, the available evidence is currently insufficient to determine the role of this variant in disease. Therefore, it has been classified as a Variant of Uncertain Significance.